The following is an entry in ClinVar:

ClinVar aggregate classification (germline): Uncertain significance. Review status: criteria provided, multiple submitters, no conflicts (2 of 4 stars). 2 submissions from 2 submitters: Uncertain significance (2). Last evaluated 2023-08-07.

Conditions:
Bardet-Biedl syndrome 7 (BBS7). Identifiers: Orphanet 110, MedGen C1859565, MONDO:0014435, OMIM 615984.
BBS7-related disorder. Also called: BBS7-related condition.

Allele frequency attached by ClinVar (database versions not stated): ExAC 0.00002; gnomAD exomes 0.00002.
gnomAD v4.1: 10 of 1,613,934 alleles (0.00062%); highest among the groups gnomAD compares: South Asian, 0.011%; no homozygotes.

Submissions (2):

PreventionGenetics, part of Exact Sciences
Classification: Uncertain significance for BBS7-related condition. Last evaluated: 2023-08-07. Review status: criteria provided, single submitter. Criteria: ACMG Guidelines, 2015. Collection method: clinical testing. Allele origin: germline.
Comment: The BBS7 c.1979A>G variant is predicted to result in the amino acid substitution p.Tyr660Cys. To our knowledge, this variant has not been reported in the literature. This variant is reported in 0.020% of alleles in individuals of South Asian descent in gnomAD. At this time, the clinical significance of this variant is uncertain due to the absence of conclusive functional and genetic evidence.

Institute of Human Genetics, University of Goettingen
Classification: Uncertain significance for Bardet-Biedl syndrome 7. Last evaluated: 2023-07-17. Review status: criteria provided, single submitter. Criteria: ACMG Guidelines, 2015. Collection method: clinical testing. Allele origin: biparental. Inheritance: Autosomal recessive inheritance. Observed: 1 homozygote.
Comment: The variant c.1979A>G (p.(Tyr660Cys)) in exon 18 of the BBS7-gene is found at a very low frequency in the gnomAD database (< 0.003%), it affects a moderately conserved nucleotide and a highly conserved amino acid within a protein domain and there is a large physicochemical difference between Tyr and Cys. In silico prediction algorithms show inconclusive results regarding variant influence on protein function. To our knowledge, this variant has not been described in the literature yet. ACMG criteria used for classification: PM2_supp.

NM_176824.3(BBS7):c.1979A>G (p.Tyr660Cys)

Gene: BBS7 (Bardet-Biedl syndrome 7; minus strand). Cytogenetic location: 4q27.
Variant type: single nucleotide variant.
Coding change: c.1979A>G on transcript NM_176824.3 (MANE Select); coding-DNA position 1979, A replaced by G.
Protein change: p.Tyr660Cys; replaces tyrosine 660 with cysteine.
Molecular consequence: missense variant.
Genome position (GRCh38, 1-based): chr4:121,828,181, T>C on the plus strand (A>G on the coding strand, the complement: BBS7 is on the minus strand). VCF-style: chr4-121828181-T-C. GRCh37 (hg19) VCF-style: chr4-122749336-T-C.
Other names: c.1979A>G, p.Tyr660Cys (NM_018190.4); c.1979A>G (NM_176824.2); short protein forms Y660C.
Identifiers: ClinVar variation 2573210 (VCV002573210.3), dbSNP rs757308523, ClinGen allele CA3064080.